The following is an entry in ClinVar:

NM_006852.6(TLK2):c.1636C>T (p.Arg546Trp)

Gene: TLK2 (tousled like kinase 2; plus strand). Cytogenetic location: 17q23.2.
Variant type: single nucleotide variant.
Coding change: c.1636C>T on transcript NM_006852.6 (MANE Select); coding-DNA position 1636, C replaced by T.
Protein change: p.Arg546Trp; replaces arginine 546 with tryptophan.
Molecular consequence: missense variant.
Genome position (GRCh38, 1-based): chr17:62,600,736, C>T. VCF-style: chr17-62600736-C-T. GRCh37 (hg19) VCF-style: chr17-60678097-C-T.
Other names: c.1702C>T, p.Arg568Trp (NM_001284333.3); c.1540C>T, p.Arg514Trp (NM_001284363.1, NM_001375272.1); c.1189C>T, p.Arg397Trp (NM_001330418.3, NM_001375273.1); c.1678C>T, p.Arg560Trp (NM_001375269.1); c.1636C>T, p.Arg546Trp (NM_001375270.1, NM_001375271.1); short protein forms R397W, R514W, R546W, R568W, R560W.
Identifiers: ClinVar variation 617931 (VCV000617931.6), dbSNP rs1283838287, ClinGen allele CA400511008.
Genomic context (GRCh38, chr17:62,600,736, plus strand): 5'-GAGGGAAATGATCTGGACTTCTACCTGAAACAGCACAAATTAATGTCGGAGAAAGAGGCC[C>T]GGTCCATTATCATGCAGATTGTGAATGCTTTAAAGTACTTAAATGAAATAAAACCTCCCA-3'
Protein context (NP_006843.2, residues 536-556): QHKLMSEKEA[Arg546Trp]SIIMQIVNAL

ClinVar aggregate classification (germline): Pathogenic/Likely pathogenic. Review status: criteria provided, multiple submitters, no conflicts (2 of 4 stars). 4 submissions from 4 submitters: Pathogenic (2); Likely pathogenic (2). Last evaluated 2026-01-08.

Conditions:
Inborn genetic diseases. Identifiers: MedGen C0950123, MeSH D030342.
Intellectual developmental disorder, autosomal dominant 57. Also called: MENTAL RETARDATION, AUTOSOMAL DOMINANT 57; Intellectual disability, autosomal dominant 57. Identifiers: MedGen C4748003, MONDO:0054837, OMIM 618050.

Allele frequency attached by ClinVar (database versions not stated): gnomAD 0.00001.
gnomAD v4.1: 1 of 1,613,154 alleles (0.000062%); highest among the groups gnomAD compares: African/African-American, 0.0013%; no homozygotes.

Submissions (4):

Ambry Genetics
Classification: Likely pathogenic for Inborn genetic diseases. Last evaluated: 2026-01-08. Review status: criteria provided, single submitter. Criteria: Ambry Variant Classification Scheme 2023. Collection method: clinical testing. Allele origin: germline.
Comment: The c.1636C>T (p.R546W) alteration is located in exon 18 (coding exon 17) of the TLK2 gene. This alteration results from a C to T substitution at nucleotide position 1636, causing the arginine (R) at amino acid position 546 to be replaced by a tryptophan (W). Based on data from gnomAD, the T allele has an overall frequency of 0.003% (1/31394) total alleles studied. The highest observed frequency was 0.012% (1/8704) of African alleles. This variant was determined to be de novo in at least one individual with features consistent with TLK2-related neurodevelopmental disorder (Walker, 2018; Reijnders, 2018), Note, this variant is also referred to as c.1810C>T p.Arg513Trp in the literature. Other variant(s) at the same codon, c.1637G>A (p.R546Q), have been identified in individual(s) with features consistent with TLK2-related neurodevelopmental disorder (Spataro, 2023). This amino acid position is highly conserved in available vertebrate species. This missense alteration is located in a region that has a low rate of benign missense variation (Lek, 2016; Firth, 2009). The in silico prediction for this alteration is inconclusive. Based on the available evidence, this alteration is classified as likely pathogenic.

GeneDx
Classification: Pathogenic. Last evaluated: 2024-12-23. Review status: criteria provided, single submitter. Criteria: GeneDx Variant Classification Process June 2021. Collection method: clinical testing. Allele origin: germline. Affected: yes.
Comment: In silico analysis supports that this missense variant has a deleterious effect on protein structure/function; This variant is associated with the following publications: (PMID: 29861108, 29758565, 34821460)

3billion
Classification: Pathogenic for Intellectual developmental disorder, autosomal dominant 57. Last evaluated: 2021-10-02. Review status: criteria provided, single submitter. Criteria: ACMG Guidelines, 2015. Collection method: clinical testing. Allele origin: germline. Affected: yes. Observed: 1 heterozygote.
Comment: The variant has been previously reported as de novoo in a similarly affected individual (PMID: 29861108, PS2). The missense variant is located in a mutational hot spot and/or well-established functional domain in which established pathogenic variants have been reported (PM1).The variant is observed at an extremely low frequency in the gnomAD v2.1.1 dataset (total allele frequency: 0.0000319, PM2). The variant was observed as assumed (i.e. paternity and maternity not confirmed) de novoo (3billion dataset, PM6). In silico tool predictions suggest damaging effect of the variant on gene or gene product (3Cnet: 0.669, PP3). Therefore, this variant is classified as pathogenic according to the recommendation of ACMG/AMP guideline.

SIB Swiss Institute of Bioinformatics
Classification: Likely pathogenic for Intellectual developmental disorder, autosomal dominant 57. Last evaluated: 2018-10-15. Review status: criteria provided, single submitter. Criteria: ACMG Guidelines, 2015. Collection method: curation. Allele origin: de novo.
Comment: This variant is interpreted as Likely Pathogenic, for Mental retardation, autosomal dominant 57. The following ACMG Tag(s) were applied: PM2 => Absent from controls (or at extremely low frequency if recessive) in Exome Sequencing Project, 1000 Genomes Project, or Exome Aggregation Consortium. PM6 => Assumed de novo, but without confirmation of paternity and maternity (PubMed 29861108). PM1 => Located in a mutational hot spot and/or critical and well-established functional domain (e.g., active site of an enzyme) without benign variation.

Literature cited by the submitters: PubMed 29758565 (cited by Ambry Genetics); PubMed 29861108 (cited by 3 submitters); PubMed 36980980 (cited by Ambry Genetics).